The following is an entry in ClinVar:

NM_020975.6(RET):c.2940-10T>C

Gene: RET (ret proto-oncogene; plus strand). Cytogenetic location: 10q11.21.
Variant type: single nucleotide variant.
Coding change: c.2940-10T>C on transcript NM_020975.6 (MANE Select); 10 bases into the intron before coding-DNA position 2940, T replaced by C.
Molecular consequence: intron variant.
Genome position (GRCh38, 1-based): chr10:43,124,873, T>C. VCF-style: chr10-43124873-T-C. GRCh37 (hg19) VCF-style: chr10-43620321-T-C.
Other names: c.2940-10T>C (NM_020630.7, NM_001406743.1, NM_001406744.1 and 2 more transcripts); c.2805-10T>C (NM_001406765.1, NM_001406763.1); c.2544-10T>C (NM_001406772.1, NM_001406769.1); c.2502-10T>C (NM_001406773.1, NM_001406771.1); c.2043-10T>C (NM_001406782.1, NM_001406780.1, NM_001406779.1 and 1 more transcripts); c.1908-10T>C (NM_001406787.1); c.1923-10T>C (NM_001406785.1); c.2811-10T>C (NM_001406764.1, NM_001406762.1, NM_001406761.1); and 10 more.
Identifiers: ClinVar variation 3069909 (VCV003069909.1), dbSNP rs2538625549, ClinGen allele CA2825001672.

ClinVar aggregate classification (germline): Likely benign (1 of 4 stars; one submission).

Conditions:
Multiple endocrine neoplasia, type 2 (MEN2). Identifiers: Orphanet 653, MedGen C4048306, MONDO:0019003. Disease mechanism: gain of function.

Submission:

All of Us Research Program, National Institutes of Health
Classification: Likely benign for Multiple endocrine neoplasia, type 2. Last evaluated: 2023-03-23. Review status: criteria provided, single submitter. Criteria: ACMG Guidelines, 2015. Collection method: clinical testing. Allele origin: germline. Inheritance: Autosomal dominant inheritance. Observed: 1 variant allele, 1 heterozygote.
Comment: This study involves interpretation of variants in research participants for the purpose of population health screening. Participant phenotype was not available at the time of variant classification. Additional details can be found in publication PMID: 35346344, PMCID: PMC8962531